The following is an entry in ClinVar:

NM_000214.3(JAG1):c.864G>C (p.Trp288Cys)

Gene: JAG1 (jagged canonical Notch ligand 1; minus strand). Cytogenetic location: 20p12.2.
Variant type: single nucleotide variant.
Coding change: c.864G>C on transcript NM_000214.3 (MANE Select); coding-DNA position 864, G replaced by C.
Protein change: p.Trp288Cys; replaces tryptophan 288 with cysteine.
Molecular consequence: missense variant.
Genome position (GRCh38, 1-based): chr20:10,652,490, C>G on the plus strand (G>C on the coding strand, the complement: JAG1 is on the minus strand). VCF-style: chr20-10652490-C-G. GRCh37 (hg19) VCF-style: chr20-10633138-C-G.
Other names: c.864G>C (NM_000214.2); short protein forms W288C.
Identifiers: ClinVar variation 3573153 (VCV003573153.3).

ClinVar aggregate classification (germline): Likely pathogenic (1 of 4 stars; one submission).

Conditions:
JAG1-related disorder. Also called: JAG1-related disorders; JAG1-related condition.

Submissions (2):

PreventionGenetics, part of Exact Sciences
Classification: Likely pathogenic for JAG1-related condition. Last evaluated: 2026-07-02. Review status: criteria provided, single submitter. Criteria: ACMG Guidelines, 2015. Collection method: clinical testing. Allele origin: germline.
Comment: The JAG1 c.864G>C variant is predicted to result in the amino acid substitution p.Trp288Cys. This variant has been reported in the heterozygous state in an individual with Alagille syndrome as an inherited finding from a parent with unknown phenotypes (reported as W288C, Crosnier et al. 1999. PubMed ID: 10220506). Functional studies suggest this variant impacts protein function (Table S2, Gilbert et al. 2024 PMID:39043182). This variant has not been reported in a large population database (gnomAD), indicating this variant is rare. Statistical evidence in gnomAD suggests this region of the JAG1 gene is intolerant of missense variation. This variant is interpreted as likely pathogenic.

Gilbert/Spinner Lab, Children's Hospital of Philadelphia
No classification provided (evidence only). Condition: Alagille syndrome. Review status: no classification provided. Collection method: research. Allele origin: not applicable. Functional consequence: functionally_abnormal. Not counted in ClinVar's aggregate classification.
ClinVar note: "not provided" was previously submitted as the classification for the variant. However, the classification appeared to be based only on an observation of functional data so it was converted to no classification on 2025-07-30.